The following is an entry in ClinVar:

ClinVar aggregate classification (germline): Pathogenic/Likely pathogenic. Review status: criteria provided, multiple submitters, no conflicts (2 of 4 stars). 2 submissions from 2 submitters: Pathogenic (1); Likely pathogenic (1). Last evaluated 2022-06-13.

Conditions:
Niemann-Pick disease, type A. Also called: Infantile Neurovisceral ASMD (Niemann-Pick Disease Type A; NPD-A); SPHINGOMYELIN LIPIDOSIS; SPHINGOMYELINASE DEFICIENCY. Identifiers: Orphanet 77292, MedGen C0268242, MONDO:0009756, OMIM 257200. Disease mechanism: loss of function.
Niemann-Pick disease, type B. Also called: Chronic Visceral ASMD (Niemann-Pick Disease Type B; NPD-B). Identifiers: Orphanet 77293, MedGen C0268243, MONDO:0011871, OMIM 607616. Disease mechanism: loss of function.

Submissions (2):

Labcorp Genetics (formerly Invitae), Labcorp
Classification: Likely pathogenic for Niemann-Pick disease, type B; Niemann-Pick disease, type A. Last evaluated: 2022-06-13. Review status: criteria provided, single submitter. Criteria: Invitae Variant Classification Sherloc (09022015). Collection method: clinical testing. Allele origin: germline.
Comment: Algorithms developed to predict the effect of sequence changes on RNA splicing suggest that this variant may disrupt the consensus splice site. In summary, the currently available evidence indicates that the variant is pathogenic, but additional data are needed to prove that conclusively. Therefore, this variant has been classified as Likely Pathogenic. ClinVar contains an entry for this variant (Variation ID: 992698). Disruption of this splice site has been observed in individual(s) with Niemann-Pick disease (PMID: 33675270). This variant is not present in population databases (gnomAD no frequency). This sequence change affects a donor splice site in intron 2 of the SMPD1 gene. It is expected to disrupt RNA splicing. Variants that disrupt the donor or acceptor splice site typically lead to a loss of protein function (PMID: 16199547), and loss-of-function variants in SMPD1 are known to be pathogenic (PMID: 12369017, 15221801).

Huiwen Zhang's lab, Shanghai Jiao Tong University School of Medicine, Xinhua Hospital
Classification: Pathogenic for Niemann-Pick disease, type A; Niemann-Pick disease, type B. Last evaluated: 2020-12-30. Review status: criteria provided, single submitter. Criteria: ACMG Guidelines, 2015. Collection method: clinical testing. Allele origin: inherited. Affected: yes.

Literature cited by the submitters: PubMed 33675270 (cited by Labcorp Genetics (formerly Invitae), Labcorp); PubMed 16199547 (cited by Labcorp Genetics (formerly Invitae), Labcorp); PubMed 12369017 (cited by Labcorp Genetics (formerly Invitae), Labcorp); PubMed 15221801 (cited by Labcorp Genetics (formerly Invitae), Labcorp).

NM_000543.5(SMPD1):c.1091+1G>A

Gene: SMPD1 (sphingomyelin phosphodiesterase 1; plus strand). Cytogenetic location: 11p15.4.
Variant type: single nucleotide variant.
Coding change: c.1091+1G>A on transcript NM_000543.5 (MANE Select); the canonical splice donor site of the intron after coding-DNA position 1091, G replaced by A.
Molecular consequence: splice donor variant. On other transcripts: missense variant (1), synonymous variant (1).
Genome position (GRCh38, 1-based): chr11:6,392,157, G>A. VCF-style: chr11-6392157-G-A. GRCh37 (hg19) VCF-style: chr11-6413387-G-A.
Other names: c.131G>A, p.Gly44Asp (NM_001318088.2); c.1092G>A, p.Arg364= (NM_001365135.2); c.1091+1G>A (NM_001318087.2); c.1088+1G>A (NM_001007593.3); short protein forms G44D.
Identifiers: ClinVar variation 992698 (VCV000992698.10), dbSNP rs1847955457, ClinGen allele CA379371901.